The following is an entry in ClinVar:

ClinVar aggregate classification (germline): Uncertain significance. Review status: criteria provided, multiple submitters, no conflicts (2 of 4 stars). 3 submissions from 3 submitters: Uncertain significance (3). Last evaluated 2025-11-20.

Conditions:
Inborn genetic diseases. Identifiers: MedGen C0950123, MeSH D030342.
Premature chromatid separation trait (PCS). Also called: TOTAL PREMATURE CHROMATID SEPARATION TRAIT. Identifiers: MedGen C1864389, MONDO:0008304, OMIM 176430.
Colorectal cancer. Also called: Colorectal cancer, somatic; Malignant Colorectal Neoplasm. Identifiers: MedGen C0346629, MONDO:0005575, OMIM 114500.
Mosaic variegated aneuploidy syndrome 1 (MVA1). Also called: Warburton-Anyane-Yeboa syndrome. Identifiers: Orphanet 1052, MedGen C1850343, MONDO:0009759, OMIM 257300.

Allele frequency attached by ClinVar (database versions not stated): gnomAD 0.00001; gnomAD exomes 0.00001 and 0.00005; TOPMed 0.00003; ExAC 0.00005.
gnomAD v4.1: 23 of 1,614,010 alleles (0.0014%); highest among the groups gnomAD compares: East Asian, 0.049%; no homozygotes.

Submissions (3):

Labcorp Genetics (formerly Invitae), Labcorp
Classification: Uncertain significance for Mosaic variegated aneuploidy syndrome 1. Last evaluated: 2025-11-20. Review status: criteria provided, single submitter. Criteria: Invitae Variant Classification Sherloc (09022015). Collection method: clinical testing. Allele origin: germline.
Comment: This sequence change replaces glutamic acid, which is acidic and polar, with glycine, which is neutral and non-polar, at codon 320 of the BUB1B protein (p.Glu320Gly). This variant is present in population databases (rs771382233, gnomAD 0.07%). This variant has not been reported in the literature in individuals affected with BUB1B-related conditions. ClinVar contains an entry for this variant (Variation ID: 942653). An algorithm developed to predict the effect of missense changes on protein structure and function outputs the following: PolyPhen-2: "Benign". The glycine amino acid residue is found in multiple mammalian species, which suggests that this missense change does not adversely affect protein function. In summary, the available evidence is currently insufficient to determine the role of this variant in disease. Therefore, it has been classified as a Variant of Uncertain Significance.

Fulgent Genetics
Classification: Uncertain significance for Colorectal cancer; Premature chromatid separation trait; Mosaic variegated aneuploidy syndrome 1. Last evaluated: 2024-05-22. Review status: criteria provided, single submitter. Criteria: ACMG Guidelines, 2015. Collection method: clinical testing. Allele origin: germline.

Ambry Genetics
Classification: Uncertain significance for Inborn genetic diseases. Last evaluated: 2023-06-23. Review status: criteria provided, single submitter. Criteria: Ambry Variant Classification Scheme 2023. Collection method: clinical testing. Allele origin: germline.

NM_001211.6(BUB1B):c.959A>G (p.Glu320Gly)

Gene: BUB1B (BUB1 mitotic checkpoint serine/threonine kinase B; plus strand). Cytogenetic location: 15q15.1.
Variant type: single nucleotide variant.
Coding change: c.959A>G on transcript NM_001211.6 (MANE Select); coding-DNA position 959, A replaced by G.
Protein change: p.Glu320Gly; replaces glutamic acid 320 with glycine.
Molecular consequence: missense variant.
Genome position (GRCh38, 1-based): chr15:40,185,372, A>G. VCF-style: chr15-40185372-A-G. GRCh37 (hg19) VCF-style: chr15-40477573-A-G.
Other names: short protein forms E320G.
Identifiers: ClinVar variation 942653 (VCV000942653.49), dbSNP rs771382233, ClinGen allele CA7475601.